The following is an entry in ClinVar:

ClinVar aggregate classification (germline): Uncertain significance (1 of 4 stars; one submission).

Conditions:
Lissencephaly 10. Identifiers: MedGen C5394354, MONDO:0030031, OMIM 618873.

Submission:

Laboratorio de Genetica e Diagnostico Molecular, Hospital Israelita Albert Einstein
Classification: Uncertain significance for Lissencephaly 10. Last evaluated: 2025-07-11. Review status: criteria provided, single submitter. Criteria: ACMG Guidelines, 2015. Collection method: clinical testing. Allele origin: germline. Affected: yes.
Comment: ACMG classification criteria: PVS1 moderate, PM2 supporting

NM_001042475.3(CEP85L):c.1996C>T (p.Gln666Ter)

Gene: CEP85L (centrosomal protein 85L; minus strand). Cytogenetic location: 6q22.31.
Variant type: single nucleotide variant.
Coding change: c.1996C>T on transcript NM_001042475.3 (MANE Select); coding-DNA position 1996, C replaced by T.
Protein change: p.Gln666Ter; replaces glutamine 666 with a stop codon.
Molecular consequence: nonsense.
Genome position (GRCh38, 1-based): chr6:118,470,563, G>A on the plus strand (C>T on the coding strand, the complement: CEP85L is on the minus strand). VCF-style: chr6-118470563-G-A. GRCh37 (hg19) VCF-style: chr6-118791726-G-A.
Other names: c.2005C>T, p.Gln669Ter (NM_001178035.2); short protein forms Q666*, Q669*.
Identifiers: ClinVar variation 4846986 (VCV004846986.1).